The following is an entry in ClinVar:

ClinVar aggregate classification (germline): Pathogenic/Likely pathogenic. Review status: criteria provided, multiple submitters, no conflicts (2 of 4 stars). 7 submissions from 7 submitters: Pathogenic (5); Likely pathogenic (2). Last evaluated 2026-08-11.

Conditions:
PLOD1-related disorder. Also called: PLOD1-related condition.
Ehlers-Danlos syndrome, kyphoscoliotic type 1 (EDSKSCL1). Also called: EHLERS-DANLOS SYNDROME, OCULAR-SCOLIOTIC TYPE; EHLERS-DANLOS SYNDROME, TYPE VIA; PLOD1-Related Kyphoscoliotic Ehlers-Danlos Syndrome; Ehlers-Danlos syndrome, hydroxylysine-deficient. Identifiers: Orphanet 1900, MedGen C0268342, MONDO:0016002, OMIM 225400. Disease mechanism: loss of function.
Familial thoracic aortic aneurysm and aortic dissection (TAAD). Also called: Thoracic aortic aneurysms and dissections. Identifiers: Orphanet 91387, MedGen C4707243, MONDO:0019625.
Ehlers-Danlos syndrome (EDS). Identifiers: Orphanet 98249, MedGen C0013720, MONDO:0020066.

Allele frequency attached by ClinVar (database versions not stated): gnomAD exomes below 0.00001; TOPMed below 0.00001; gnomAD 0.00001.
gnomAD v4.1: 38 of 1,613,894 alleles (0.0024%); highest among the groups gnomAD compares: Non-Finnish European, 0.0031%; no homozygotes.

Submissions (7):

Ambry Genetics
Classification: Pathogenic for Familial thoracic aortic aneurysm and aortic dissection. Last evaluated: 2026-08-11. Review status: criteria provided, single submitter. Criteria: Ambry Variant Classification Scheme 2023. Collection method: clinical testing. Allele origin: germline.
Comment: The p.Q636* pathogenic mutation (also known as c.1906C>T), located in coding exon 18 of the PLOD1 gene, results from a C to T substitution at nucleotide position 1906. This changes the amino acid from a glutamine to a stop codon within coding exon 18. This variant has been identified in conjunction with other PLOD1 variant(s) in individual(s) with features consistent with PLOD1-related kyphoscoliotic Ehlers-Danlos syndrome (Zieminski P et al. Acta Cardiol, 2021 Jul;76:557-558; Colman M et al. Hum Mutat, 2021 Oct;42:1294-1306). This variant is considered to be rare based on population cohorts in the Genome Aggregation Database (gnomAD). This alteration is expected to result in loss of function by premature protein truncation or nonsense-mediated mRNA decay. As such, this alteration is interpreted as a disease-causing mutation.

Labcorp Genetics (formerly Invitae), Labcorp
Classification: Pathogenic for Ehlers-Danlos syndrome, kyphoscoliotic type 1. Last evaluated: 2025-04-02. Review status: criteria provided, single submitter. Criteria: Invitae Variant Classification Sherloc (09022015). Collection method: clinical testing. Allele origin: germline.
Comment: This sequence change creates a premature translational stop signal (p.Gln636*) in the PLOD1 gene. It is expected to result in an absent or disrupted protein product. Loss-of-function variants in PLOD1 are known to be pathogenic (PMID: 10874315, 21699693). This variant is present in population databases (no rsID available, gnomAD 0.0009%). This premature translational stop signal has been observed in individual(s) with Ehlers-Danlos syndrome, kyphoscoliotic form (PMID: 32746767). ClinVar contains an entry for this variant (Variation ID: 659390). For these reasons, this variant has been classified as Pathogenic.

Variantyx, Inc.
Classification: Pathogenic for Ehlers-Danlos syndrome, kyphoscoliotic type 1. Last evaluated: 2025-03-23. Review status: criteria provided, single submitter. Criteria: Variantyx Assertion Criteria 2022. Collection method: clinical testing. Allele origin: paternal. Affected: yes.
Comment: This is a nonsense variant in the PLOD1 gene (OMIM: 153454). Pathogenic variants in this gene have been associated with autosomal recessive Ehlers-Danlos syndrome kyphoscoliotic type 1. This variant introduces a premature termination codon in exon 18 out of 19. It is expected to result in loss of function, which is a known disease mechanism for PLOD1 in this disorder (PMID: 10874315, 21699693) (PVS1). This variant has a 0.0031% maximum allele frequency in non-founder control populations (PM2_Supporting). Based on the current evidence, this variant is classified as pathogenic for autosomal recessive Ehlers-Danlos syndrome kyphoscoliotic type 1.

GeneDx
Classification: Pathogenic. Last evaluated: 2024-12-20. Review status: criteria provided, single submitter. Criteria: GeneDx Variant Classification Process June 2021. Collection method: clinical testing. Allele origin: germline. Affected: yes.
Comment: Not observed at significant frequency in large population cohorts (gnomAD); Nonsense variant predicted to result in protein truncation or nonsense mediated decay in a gene for which loss of function is a known mechanism of disease; This variant is associated with the following publications: (PMID: 34265140, 32746767)

Fulgent Genetics
Classification: Pathogenic for Ehlers-Danlos syndrome, kyphoscoliotic type 1. Last evaluated: 2024-04-04. Review status: criteria provided, single submitter. Criteria: ACMG Guidelines, 2015. Collection method: clinical testing. Allele origin: germline.

Blueprint Genetics
Classification: Likely pathogenic for PLOD1-related disorders. Last evaluated: 2022-01-14. Review status: criteria provided, single submitter. Criteria: ACMG Guidelines, 2015. Collection method: clinical testing. Allele origin: germline. Affected: yes. Observed: 2 variant alleles.

Genome Diagnostics Laboratory, The Hospital for Sick Children
Classification: Likely pathogenic for Ehlers-Danlos syndrome. Last evaluated: 2020-03-01. Review status: criteria provided, single submitter. Criteria: ACMG Guidelines, 2015. Collection method: clinical testing. Allele origin: germline.

Literature cited by the submitters: PubMed 32746767 (cited by Ambry Genetics and Labcorp Genetics (formerly Invitae), Labcorp); PubMed 34265140 (cited by Ambry Genetics); PubMed 10874315 (cited by Labcorp Genetics (formerly Invitae), Labcorp); PubMed 21699693 (cited by Labcorp Genetics (formerly Invitae), Labcorp).

NM_000302.4(PLOD1):c.1906C>T (p.Gln636Ter)

Gene: PLOD1 (procollagen-lysine,2-oxoglutarate 5-dioxygenase 1; plus strand). Cytogenetic location: 1p36.22.
Variant type: single nucleotide variant.
Coding change: c.1906C>T on transcript NM_000302.4 (MANE Select); coding-DNA position 1906, C replaced by T.
Protein change: p.Gln636Ter; replaces glutamine 636 with a stop codon.
Molecular consequence: nonsense.
Genome position (GRCh38, 1-based): chr1:11,972,875, C>T. VCF-style: chr1-11972875-C-T. GRCh37 (hg19) VCF-style: chr1-12032932-C-T.
Other names: c.2047C>T, p.Gln683Ter (NM_001316320.2); short protein forms Q636*, Q683*.
Identifiers: ClinVar variation 659390 (VCV000659390.15), dbSNP rs1439043436, ClinGen allele CA338452183.